The following is an entry in ClinVar:

ClinVar aggregate classification (germline): Uncertain significance (1 of 4 stars; one submission).

Submission:

Labcorp Genetics (formerly Invitae), Labcorp
Classification: Uncertain significance. Last evaluated: 2024-09-10. Review status: criteria provided, single submitter. Criteria: Invitae Variant Classification Sherloc (09022015). Collection method: clinical testing. Allele origin: germline.
Comment: This sequence change replaces glutamic acid, which is acidic and polar, with lysine, which is basic and polar, at codon 211 of the AP2M1 protein (p.Glu211Lys). This variant is not present in population databases (gnomAD no frequency). This variant has not been reported in the literature in individuals affected with AP2M1-related conditions. An algorithm developed to predict the effect of missense changes on protein structure and function (PolyPhen-2) suggests that this variant is likely to be disruptive. In summary, the available evidence is currently insufficient to determine the role of this variant in disease. Therefore, it has been classified as a Variant of Uncertain Significance.

NM_004068.4(AP2M1):c.631G>A (p.Glu211Lys)

Gene: AP2M1 (adaptor related protein complex 2 subunit mu 1; plus strand). Cytogenetic location: 3q27.1.
Variant type: single nucleotide variant.
Coding change: c.631G>A on transcript NM_004068.4 (MANE Select); coding-DNA position 631, G replaced by A.
Protein change: p.Glu211Lys; replaces glutamic acid 211 with lysine.
Molecular consequence: missense variant.
Genome position (GRCh38, 1-based): chr3:184,181,150, G>A. VCF-style: chr3-184181150-G-A. GRCh37 (hg19) VCF-style: chr3-183898938-G-A.
Other names: c.625G>A, p.Glu209Lys (NM_001025205.2); c.706G>A, p.Glu236Lys (NM_001311198.2); short protein forms E211K, E209K, E236K.
Identifiers: ClinVar variation 3727356 (VCV003727356.2).